The following is an entry in ClinVar:

ClinVar aggregate classification (germline): Benign. Review status: criteria provided, multiple submitters, no conflicts (2 of 4 stars). 4 submissions from 4 submitters: Benign (4). Last evaluated 2026-02-02.

Conditions:
Nemaline myopathy 10 (NEM10). Identifiers: MedGen C4015360, MONDO:0014513, OMIM 616165.

Allele frequency attached by ClinVar (database versions not stated): 1000 Genomes Project 0.01258; 1000 Genomes Project 30x 0.01421; gnomAD 0.02895 and 0.02947; TOPMed 0.02962; gnomAD exomes 0.03071 and 0.04065; ExAC 0.03162; ESP Exome Variant Server 0.03317.
gnomAD v4.1: 63,503 of 1,613,726 alleles (3.9%); highest among the groups gnomAD compares: Non-Finnish European, 4.7%; 1,477 homozygotes.

Submissions (4):

Labcorp Genetics (formerly Invitae), Labcorp
Classification: Benign for Nemaline myopathy 10. Last evaluated: 2026-02-02. Review status: criteria provided, single submitter. Criteria: Invitae Variant Classification Sherloc (09022015). Collection method: clinical testing. Allele origin: germline.

Mayo Clinic Laboratories, Mayo Clinic
Classification: Benign. Last evaluated: 2023-03-28. Review status: criteria provided, single submitter. Criteria: ACMG Guidelines, 2015. Collection method: clinical testing. Allele origin: germline. Observed: 17 variant alleles.
Comment: BS1, BS2, BP4, BP7

GeneDx
Classification: Benign. Last evaluated: 2019-07-23. Review status: criteria provided, single submitter. Criteria: GeneDx Variant Classification Process June 2021. Collection method: clinical testing. Allele origin: germline. Affected: yes.

Breakthrough Genomics
Classification: Benign. Review status: criteria provided, single submitter. Criteria: ACMG Guidelines, 2015. Collection method: not provided. Allele origin: germline. Inheritance: Autosomal recessive inheritance. Affected: yes.

NM_198271.5(LMOD3):c.759T>C (p.Pro253=)

Gene: LMOD3 (leiomodin 3; minus strand). Cytogenetic location: 3p14.1.
Variant type: single nucleotide variant.
Coding change: c.759T>C on transcript NM_198271.5 (MANE Select); coding-DNA position 759, T replaced by C.
Protein change: p.Pro253=; no amino-acid change (proline 253 retained).
Molecular consequence: synonymous variant.
Genome position (GRCh38, 1-based): chr3:69,119,596, A>G on the plus strand (T>C on the coding strand, the complement: LMOD3 is on the minus strand). VCF-style: chr3-69119596-A-G. GRCh37 (hg19) VCF-style: chr3-69168747-A-G.
Other names: p.Pro253=; c.759T>C, p.Pro253= (NM_001304418.3).
Identifiers: ClinVar variation 475332 (VCV000475332.15), dbSNP rs115972674, ClinGen allele CA2488929.